The following is an entry in ClinVar:

NM_000295.5(SERPINA1):c.1073A>G (p.His358Arg)

Gene: SERPINA1 (serpin family A member 1; minus strand). Cytogenetic location: 14q32.13.
Variant type: single nucleotide variant.
Coding change: c.1073A>G on transcript NM_000295.5 (MANE Select); coding-DNA position 1073, A replaced by G.
Protein change: p.His358Arg; replaces histidine 358 with arginine.
Molecular consequence: missense variant.
Genome position (GRCh38, 1-based): chr14:94,378,633, T>C on the plus strand (A>G on the coding strand, the complement: SERPINA1 is on the minus strand). VCF-style: chr14-94378633-T-C. GRCh37 (hg19) VCF-style: chr14-94844970-T-C.
Other names: c.1073A>G, p.His358Arg (NM_001002235.3, NM_001002236.3, NM_001127700.2 and 7 more transcripts); short protein forms H358R.
Identifiers: ClinVar variation 444036 (VCV000444036.1), dbSNP rs1555367891, ClinGen allele CA390847841.
Genomic context (GRCh38, chr14:94,378,633, plus strand): 5'-TCTAAAAACATGGCCCCAGCAGCTTCAGTCCCTTTCTCGTCGATGGTCAGCACAGCCTTA[T>C]GCACGGCCTGGAGGGGAGAGAAGCAGAGACACGTTGTAAGGCTGATCCCAGGCCTCGAGC-3'
Protein context (NP_000286.3, residues 348-368): EAPLKLSKAV[His358Arg]KAVLTIDEKG

ClinVar aggregate classification (germline): Likely pathogenic (0 of 4 stars; one submission).

Conditions:
Alpha-1-antitrypsin deficiency (A1ATD). Also called: AAT deficiency; A1AT deficiency; Alpha1-Antitrypsin Deficiency. Identifiers: Orphanet 60, MedGen C0221757, MONDO:0013282, OMIM 613490.

Submission:

Department of Laboratory Medicine and Genetics, Trillium Health Partners Credit Valley Hospital
Classification: Likely pathogenic for Alpha-1-antitrypsin deficiency. Last evaluated: 2014-12-08. Review status: no assertion criteria provided. Collection method: curation. Allele origin: germline. Affected: yes.
Comment: Clinical significance based upon enzyme reduction